The following is an entry in ClinVar:

NM_138694.4(PKHD1):c.9237G>A (p.Ala3079=)

Gene: PKHD1 (PKHD1 ciliary IPT domain containing fibrocystin/polyductin; minus strand). Cytogenetic location: 6p12.3.
Variant type: single nucleotide variant.
Coding change: c.9237G>A on transcript NM_138694.4 (MANE Select); coding-DNA position 9237, G replaced by A.
Protein change: p.Ala3079=; no amino-acid change (alanine 3079 retained).
Molecular consequence: synonymous variant.
Genome position (GRCh38, 1-based): chr6:51,748,379, C>T on the plus strand (G>A on the coding strand, the complement: PKHD1 is on the minus strand). VCF-style: chr6-51748379-C-T. GRCh37 (hg19) VCF-style: chr6-51613177-C-T.
Other names: p.Ala3079=; c.9237G>A, p.Ala3079= (NM_170724.3).
Identifiers: ClinVar variation 96441 (VCV000096441.30), dbSNP rs765525, ClinGen allele CA149535.

ClinVar aggregate classification (germline): Benign. Review status: criteria provided, multiple submitters, no conflicts (2 of 4 stars). 11 submissions from 11 submitters: Benign (9). 2 of the submissions do not count toward it. Last evaluated 2026-02-04.

Conditions:
Autosomal recessive polycystic kidney disease (ARPKD). Also called: AR polycystic kidney disease. Identifiers: Orphanet 731, Orphanet 8378, MedGen C0085548, MeSH D017044, MONDO:0009889.
Polycystic kidney disease 4 (PKD4). Also called: POLYCYSTIC KIDNEY AND HEPATIC DISEASE 1; POLYCYSTIC KIDNEY DISEASE, INFANTILE, TYPE I; POLYCYSTIC KIDNEY DISEASE 4 WITH OR WITHOUT POLYCYSTIC LIVER DISEASE; PKD3; Autosomal Recessive Polycystic Kidney Disease – PKHD1. Identifiers: MedGen C4540575, MONDO:0033004, OMIM 263200.
Polycystic kidney disease. Also called: Kidney, Polycystic; Polycystic kidney dysplasia. Identifiers: MedGen C0022680, MeSH D007690, MONDO:0020642, HP:0000113.

Allele frequency attached by ClinVar (database versions not stated): ESP Exome Variant Server 0.27403; gnomAD 0.30589 and 0.31934; TOPMed 0.31133; 1000 Genomes Project 30x 0.37601; 1000 Genomes Project 0.38598; gnomAD exomes 0.38877 and 0.41985; ExAC 0.40414.
gnomAD v4.1: 615,917 of 1,613,552 alleles (38%); highest among the groups gnomAD compares: East Asian, 66%; 124,516 homozygotes.

Submissions (11):

Labcorp Genetics (formerly Invitae), Labcorp
Classification: Benign for Autosomal recessive polycystic kidney disease. Last evaluated: 2026-02-04. Review status: criteria provided, single submitter. Criteria: Invitae Variant Classification Sherloc (09022015). Collection method: clinical testing. Allele origin: germline.

Blueprint Genetics
Classification: Benign. Last evaluated: 2024-11-27. Review status: criteria provided, single submitter. Criteria: ACMG Guidelines, 2015. Collection method: clinical testing. Allele origin: germline.

Mayo Clinic Laboratories, Mayo Clinic
Classification: Benign. Last evaluated: 2022-03-09. Review status: criteria provided, single submitter. Criteria: ACMG Guidelines, 2015. Collection method: clinical testing. Allele origin: germline. Observed: 430 variant alleles.

Genome-Nilou Lab
Classification: Benign for Polycystic kidney disease 4. Last evaluated: 2021-09-05. Review status: criteria provided, single submitter. Criteria: ACMG Guidelines, 2015. Collection method: clinical testing. Allele origin: germline. Affected: no.

Pars Genome Lab
Classification: Benign for Polycystic kidney disease 4. Last evaluated: 2021-06-19. Review status: criteria provided, single submitter. Criteria: ACMG Guidelines, 2015. Collection method: clinical testing. Allele origin: germline. Affected: no.

GeneDx
Classification: Benign. Last evaluated: 2018-07-09. Review status: criteria provided, single submitter. Criteria: GeneDx Variant Classification Process June 2021. Collection method: clinical testing. Allele origin: germline. Affected: yes.

Illumina Laboratory Services, Illumina
Classification: Benign for Polycystic kidney disease 4. Last evaluated: 2018-01-13. Review status: criteria provided, single submitter. Criteria: ICSL Variant Classification Criteria 13 December 2019. Collection method: clinical testing. Allele origin: germline.
Comment: This variant was observed in the ICSL laboratory as part of a predisposition screen in an ostensibly healthy population. It had not been previously curated by ICSL or reported in the Human Gene Mutation Database (HGMD: prior to June 1st, 2018), and was therefore a candidate for classification through an automated scoring system. Utilizing variant allele frequency, disease prevalence and penetrance estimates, and inheritance mode, an automated score was calculated to assess if this variant is too frequent to cause the disease. Based on the score and internal cut-off values, a variant classified as benign is not then subjected to further curation. The score for this variant resulted in a classification of benign for this disease.

Eurofins Ntd Llc (ga)
Classification: Benign. Last evaluated: 2015-10-27. Review status: criteria provided, single submitter. Criteria: EGL Classification Definitions 2015. Collection method: clinical testing. Allele origin: germline. Observed: 109 variant alleles, 85 heterozygotes, 24 homozygotes.

PreventionGenetics, part of Exact Sciences
Classification: Benign. Review status: criteria provided, single submitter. Criteria: ACMG Guidelines, 2015. Collection method: clinical testing. Allele origin: germline.

Natera, Inc.
Classification: Benign for Polycystic kidney disease. Last evaluated: 2019-05-20. Review status: no assertion criteria provided. Collection method: clinical testing. Allele origin: germline. Not counted in ClinVar's aggregate classification.

Department of Pathology and Laboratory Medicine, Sinai Health System
Classification: Benign for Polycystic Kidney disease. Review status: no assertion criteria provided. Collection method: clinical testing. Allele origin: unknown. Affected: yes. Study: The Canadian Open Genetics Repository (COGR). Not counted in ClinVar's aggregate classification.
Comment: The PKHD1 p.Ala3079= variant was identified in dbSNP (ID: rs765525) â€šÃ„ÃºWith Benign alleleâ€šÃ„Ã¹, ClinVar (classified benign by EGL Genetic Diagnostics (Eurofins Clinical Diagnostics), Prevention Genetics, Illumina), Clinvitae (3x), RWTH AAachen University ARPKD database (as a polymorphism) and in control databases in 113331 (26391 homozygous) of 276718 chromosomes at a frequency of 0.4 (Genome Aggregation Database Feb 27, 2017). Breakdown of the observations by population include African in 2095 (96 homozygous) of 24010 chromosomes (freq: 0.09), Other in 2490 (481 homozygous) of 6458 chromosomes (freq: 0.4), Latino in 19685 (5835 homozygous) of 34372 chromosomes (freq: 0.6), European Non-Finnish in 46358 (8579 homozygous) of 126354 chromosomes (freq: 0.4), Ashkenazi Jewish in 3338 (532 homozygous) of 10138 chromosomes (freq: 0.3), East Asian in 13406 (4748 homozygous) of 18840 chromosomes (freq: 0.7), European Finnish in 10817 (2293 homozygous) of 25772 chromosomes (freq: 0.4), and South Asian in 15142 (3827 homozygous) of 30774 chromosomes (freq: 0.5). The variant was not identified in the GeneInsight-COGR, or LOVD 3.0. The p.Ala3079= variant is not expected to have clinical significance because it does not result in a change of amino acid and is not located in a known consensus splice site. In addition, in silico or computational prediction software programs (SpliceSiteFinder, MaxEntScan, NNSPLICE, GeneSplicer, HumanSpliceFinder) do not predict a difference in splicing. In summary, based on the above information this variant meets our laboratory criteria to be classified as benign.